The following is an entry in ClinVar:

ClinVar aggregate classification (germline): Uncertain significance (1 of 4 stars; one submission).

Conditions:
Hereditary cancer-predisposing syndrome. Also called: Neoplastic Syndromes, Hereditary; Tumor predisposition; Hereditary neoplastic syndrome; Hereditary Cancer Syndrome. Identifiers: Orphanet 140162, MedGen C0027672, MeSH D009386, MONDO:0015356.

Submission:

Ambry Genetics
Classification: Uncertain significance for Hereditary cancer-predisposing syndrome. Last evaluated: 2026-07-07. Review status: criteria provided, single submitter. Criteria: Ambry Variant Classification Scheme 2023. Collection method: clinical testing. Allele origin: germline.
Comment: The p.A1182G variant (also known as c.3545C>G), located in coding exon 19 of the BRIP1 gene, results from a C to G substitution at nucleotide position 3545. The alanine at codon 1182 is replaced by glycine, an amino acid with similar properties. This amino acid position is conserved. In addition, this alteration is predicted to be tolerated by in silico analysis. Based on the available evidence, the clinical significance of this variant remains unclear.

NM_032043.3(BRIP1):c.3545C>G (p.Ala1182Gly)

Gene: BRIP1 (BRCA1 interacting DNA helicase 1; minus strand). Cytogenetic location: 17q23.2.
Variant type: single nucleotide variant.
Coding change: c.3545C>G on transcript NM_032043.3 (MANE Select); coding-DNA position 3545, C replaced by G.
Protein change: p.Ala1182Gly; replaces alanine 1182 with glycine.
Molecular consequence: missense variant.
Genome position (GRCh38, 1-based): chr17:61,683,501, G>C on the plus strand (C>G on the coding strand, the complement: BRIP1 is on the minus strand). VCF-style: chr17-61683501-G-C. GRCh37 (hg19) VCF-style: chr17-59760862-G-C.
Other names: short protein forms A1182G.
Identifiers: ClinVar variation 5033411 (VCV005033411.1).